The following is an entry in ClinVar:

NM_201384.3(PLEC):c.8495G>A (p.Arg2832His)

Gene: PLEC (plectin; minus strand). Cytogenetic location: 8q24.3.
Variant type: single nucleotide variant.
Coding change: c.8495G>A on transcript NM_201384.3 (MANE Select); coding-DNA position 8495, G replaced by A.
Protein change: p.Arg2832His; replaces arginine 2832 with histidine.
Molecular consequence: missense variant.
Genome position (GRCh38, 1-based): chr8:143,921,326, C>T on the plus strand (G>A on the coding strand, the complement: PLEC is on the minus strand). VCF-style: chr8-143921326-C-T. GRCh37 (hg19) VCF-style: chr8-144995494-C-T.
Other names: p.Arg2818His; c.8576G>A, p.Arg2859His (NM_000445.5); c.8453G>A, p.Arg2818His (NM_201378.4); c.8429G>A, p.Arg2810His (NM_201379.3); c.8906G>A, p.Arg2969His (NM_201380.4); c.8399G>A, p.Arg2800His (NM_201381.3); c.8495G>A, p.Arg2832His (NM_201382.4); c.8507G>A, p.Arg2836His (NM_201383.3); short protein forms R2800H, R2810H, R2818H, R2832H, R2836H, R2859H, R2969H.
Identifiers: ClinVar variation 93087 (VCV000093087.25), dbSNP rs6558407, ClinGen allele CA146609.

ClinVar aggregate classification (germline): Benign. Review status: criteria provided, multiple submitters, no conflicts (2 of 4 stars). 14 submissions from 10 submitters: Benign (13). 1 of the submissions does not count toward it. Last evaluated 2026-02-04.

Conditions:
Epidermolysis bullosa simplex with nail dystrophy (EBS5D). Identifiers: MedGen C4225309, MONDO:0014661, OMIM 616487.
Epidermolysis bullosa simplex 5C, with pyloric atresia (EBS5C). Also called: PLEC-Related Epidermolysis Bullosa with Pyloric Atresia; Epidermolysis bullosa simplex with pyloric atresia; PLEC1-Related Epidermolysis Bullosa with Pyloric Atresia. Identifiers: Orphanet 158684, MedGen C2677349, MONDO:0012807, OMIM 612138.
Epidermolysis bullosa simplex 5B, with muscular dystrophy (EBS5B). Also called: EPIDERMOLYSIS BULLOSA SIMPLEX AND LIMB-GIRDLE MUSCULAR DYSTROPHY; Epidermolysis bullosa simplex with muscular dystrophy. Identifiers: Orphanet 257, MedGen C2931072, MONDO:0009181, OMIM 226670.
Autosomal recessive limb-girdle muscular dystrophy type 2Q (LGMDR17). Also called: MUSCULAR DYSTROPHY, LIMB-GIRDLE, AUTOSOMAL RECESSIVE 17. Identifiers: Orphanet 254361, MedGen C3150989, MONDO:0013390, OMIM 613723.
Epidermolysis bullosa simplex, Ogna type (EBS5A). Also called: Pidermolysis bullosa simplex 5A, Ogna type; EPIDERMOLYSIS BULLOSA SIMPLEX 5A, OGNA TYPE. Identifiers: Orphanet 79401, MedGen C0432317, MONDO:0007555, OMIM 131950.

Allele frequency attached by ClinVar (database versions not stated): gnomAD 0.29956 and 0.30134; gnomAD exomes 0.34565 and 0.39731; ESP Exome Variant Server 0.30797; 1000 Genomes Project 30x 0.22923; 1000 Genomes Project 0.23063; ExAC 0.34437; TOPMed 0.28209.

Submissions (14):

Labcorp Genetics (formerly Invitae), Labcorp
Classification: Benign for Autosomal recessive limb-girdle muscular dystrophy type 2Q; Epidermolysis bullosa simplex, Ogna type; Epidermolysis bullosa simplex with nail dystrophy; Epidermolysis bullosa simplex 5C, with pyloric atresia; Epidermolysis bullosa simplex 5B, with muscular dystrophy. Last evaluated: 2026-02-04. Review status: criteria provided, single submitter. Criteria: Invitae Variant Classification Sherloc (09022015). Collection method: clinical testing. Allele origin: germline.

Blueprint Genetics
Classification: Benign. Last evaluated: 2024-11-27. Review status: criteria provided, single submitter. Criteria: ACMG Guidelines, 2015. Collection method: clinical testing. Allele origin: germline.

Genome-Nilou Lab
Classification: Benign for Epidermolysis bullosa simplex with nail dystrophy. Last evaluated: 2021-10-25. Review status: criteria provided, single submitter. Criteria: ACMG Guidelines, 2015. Collection method: clinical testing. Allele origin: germline. Affected: no.

Genome-Nilou Lab
Classification: Benign for Epidermolysis bullosa simplex, Ogna type. Last evaluated: 2021-10-25. Review status: criteria provided, single submitter. Criteria: ACMG Guidelines, 2015. Collection method: clinical testing. Allele origin: germline. Affected: no.

Genome-Nilou Lab
Classification: Benign for Epidermolysis bullosa simplex 5B, with muscular dystrophy. Last evaluated: 2021-10-25. Review status: criteria provided, single submitter. Criteria: ACMG Guidelines, 2015. Collection method: clinical testing. Allele origin: germline. Affected: no.

Genome-Nilou Lab
Classification: Benign for Epidermolysis bullosa simplex 5C, with pyloric atresia. Last evaluated: 2021-10-25. Review status: criteria provided, single submitter. Criteria: ACMG Guidelines, 2015. Collection method: clinical testing. Allele origin: germline. Affected: no.

Genome-Nilou Lab
Classification: Benign for Autosomal recessive limb-girdle muscular dystrophy type 2Q. Last evaluated: 2021-10-25. Review status: criteria provided, single submitter. Criteria: ACMG Guidelines, 2015. Collection method: clinical testing. Allele origin: germline. Affected: no.

Mayo Clinic Laboratories, Mayo Clinic
Classification: Benign. Last evaluated: 2017-07-24. Review status: criteria provided, single submitter. Criteria: ACMG Guidelines, 2015. Collection method: clinical testing. Allele origin: germline. Observed: 784 variant alleles.

GeneDx
Classification: Benign. Last evaluated: 2015-03-03. Review status: criteria provided, single submitter. Criteria: GeneDx Variant Classification Process June 2021. Collection method: clinical testing. Allele origin: germline. Affected: yes.

Laboratory for Molecular Medicine, Mass General Brigham Personalized Medicine
Classification: Benign. Last evaluated: 2015-01-13. Review status: criteria provided, single submitter. Criteria: LMM Criteria. Collection method: clinical testing. Allele origin: germline. Observed: 8 variant alleles.
Comment: p.Arg2969His in exon 32 of PLEC: This variant is not expected to have clinical s ignificance because it has been identified in 41.2% (3412/8288) of European Amer ican chromosomes from a broad population by the NHLBI Exome Sequencing Project (dbSNP rs6558407).

Eurofins Ntd Llc (ga)
Classification: Benign. Last evaluated: 2013-04-18. Review status: criteria provided, single submitter. Criteria: EGL Classification Definitions 2015. Collection method: clinical testing. Allele origin: germline. Observed: 8 variant alleles, 7 heterozygotes, 1 homozygote.

Breakthrough Genomics
Classification: Benign. Review status: criteria provided, single submitter. Criteria: ACMG Guidelines, 2015. Collection method: not provided. Allele origin: germline. Inheritance: Autosomal recessive inheritance. Affected: yes.

PreventionGenetics, part of Exact Sciences
Classification: Benign. Review status: criteria provided, single submitter. Criteria: ACMG Guidelines, 2015. Collection method: clinical testing. Allele origin: germline.

Genetic Services Laboratory, University of Chicago
Classification: Likely benign for AllHighlyPenetrant. Review status: no assertion criteria provided. Collection method: clinical testing. Allele origin: germline. Inheritance: Autosomal recessive inheritance. Not counted in ClinVar's aggregate classification.
Comment: Likely benign based on allele frequency in 1000 Genomes Project or ESP global frequency and its presence in a patient with a rare or unrelated disease phenotype. NOT Sanger confirmed.